The following is an entry in ClinVar:

ClinVar aggregate classification (germline): Uncertain significance (1 of 4 stars; one submission).

Conditions:
Immunodeficiency, common variable, 1. Also called: ANTIBODY DEFICIENCY DUE TO ICOS DEFECT. Identifiers: Orphanet 1572, Orphanet 695183, MedGen C3149378, MONDO:0011864, OMIM 607594.

Allele frequency attached by ClinVar (database versions not stated): gnomAD exomes below 0.00001 and 0.00001; TOPMed 0.00002; gnomAD 0.00001 and 0.00002; ExAC 0.00001.
gnomAD v4.1: 14 of 1,608,732 alleles (0.00087%); highest among the groups gnomAD compares: Admixed American, 0.005%; no homozygotes.

Submission:

Labcorp Genetics (formerly Invitae), Labcorp
Classification: Uncertain significance for Immunodeficiency, common variable, 1. Last evaluated: 2022-08-09. Review status: criteria provided, single submitter. Criteria: Invitae Variant Classification Sherloc (09022015). Collection method: clinical testing. Allele origin: germline.
Comment: This sequence change replaces isoleucine, which is neutral and non-polar, with methionine, which is neutral and non-polar, at codon 15 of the ICOS protein (p.Ile15Met). This variant is present in population databases (rs762842725, gnomAD 0.003%). This variant has not been reported in the literature in individuals affected with ICOS-related conditions. ClinVar contains an entry for this variant (Variation ID: 969831). Algorithms developed to predict the effect of missense changes on protein structure and function output the following: SIFT: "Tolerated"; PolyPhen-2: "Benign"; Align-GVGD: "Class C0". The methionine amino acid residue is found in multiple mammalian species, which suggests that this missense change does not adversely affect protein function. In summary, the available evidence is currently insufficient to determine the role of this variant in disease. Therefore, it has been classified as a Variant of Uncertain Significance.

NM_012092.4(ICOS):c.45T>G (p.Ile15Met)

Gene: ICOS (inducible T cell costimulator; plus strand). Cytogenetic location: 2q33.2.
Variant type: single nucleotide variant.
Coding change: c.45T>G on transcript NM_012092.4 (MANE Select); coding-DNA position 45, T replaced by G.
Protein change: p.Ile15Met; replaces isoleucine 15 with methionine.
Molecular consequence: missense variant.
Genome position (GRCh38, 1-based): chr2:203,936,859, T>G. VCF-style: chr2-203936859-T-G. GRCh37 (hg19) VCF-style: chr2-204801582-T-G.
Other names: short protein forms I15M.
Identifiers: ClinVar variation 969831 (VCV000969831.7), dbSNP rs762842725, ClinGen allele CA2067197.